The following is an entry in ClinVar:

NM_000548.5(TSC2):c.2648A>T (p.Gln883Leu)

Gene: TSC2 (TSC complex subunit 2; plus strand). Cytogenetic location: 16p13.3.
Variant type: single nucleotide variant.
Coding change: c.2648A>T on transcript NM_000548.5 (MANE Select); coding-DNA position 2648, A replaced by T.
Protein change: p.Gln883Leu; replaces glutamine 883 with leucine.
Molecular consequence: missense variant. On other transcripts: non-coding transcript variant (5).
Genome position (GRCh38, 1-based): chr16:2,076,076, A>T. VCF-style: chr16-2076076-A-T. GRCh37 (hg19) VCF-style: chr16-2126077-A-T.
Other names: c.2048A>T, p.Gln683Leu (NM_001406685.1, NM_001406686.1, NM_001406687.1 and 6 more transcripts); c.1304A>T, p.Gln435Leu (NM_001406689.1, NM_001406690.1, NM_001406691.1 and 6 more transcripts); c.1046A>T, p.Gln349Leu (NM_001406698.1); c.2648A>T, p.Gln883Leu (NM_021055.3, NM_001370404.1, NM_001370405.1 and 6 more transcripts); c.2738A>T, p.Gln913Leu (NM_001406667.1, NM_001406668.1); c.2501A>T, p.Gln834Leu (NM_001406675.1, NM_001406676.1, NM_001406679.1 and 1 more transcripts); c.2591A>T, p.Gln864Leu (NM_001406677.1); c.2537A>T, p.Gln846Leu (NM_001406678.1, NM_001406670.1, NM_001318827.2); and 3 more; short protein forms Q349L, Q435L, Q683L, Q729L, Q834L, Q846L, Q864L, Q879L.
Identifiers: ClinVar variation 4802866 (VCV004802866.1).

ClinVar aggregate classification (germline): Uncertain significance (1 of 4 stars; one submission).

Conditions:
Tuberous sclerosis 2 (TSC2). Identifiers: Orphanet 805, MedGen C1860707, MONDO:0013199, OMIM 613254.

Submission:

Labcorp Genetics (formerly Invitae), Labcorp
Classification: Uncertain significance for Tuberous sclerosis 2. Last evaluated: 2025-06-03. Review status: criteria provided, single submitter. Criteria: Invitae Variant Classification Sherloc (09022015). Collection method: clinical testing. Allele origin: germline.
Comment: This sequence change replaces glutamine, which is neutral and polar, with leucine, which is neutral and non-polar, at codon 883 of the TSC2 protein (p.Gln883Leu). This variant is not present in population databases (gnomAD no frequency). This variant has not been reported in the literature in individuals affected with TSC2-related conditions. Invitae Evidence Modeling of protein sequence and biophysical properties (such as structural, functional, and spatial information, amino acid conservation, physicochemical variation, residue mobility, and thermodynamic stability) indicates that this missense variant is not expected to disrupt TSC2 protein function with a negative predictive value of 95%. In summary, the available evidence is currently insufficient to determine the role of this variant in disease. Therefore, it has been classified as a Variant of Uncertain Significance.